The following is an entry in ClinVar:

NM_001267550.2(TTN):c.64767C>G (p.Gly21589=)

Genes: TTN (titin; minus strand), TTN-AS1 (TTN antisense RNA 1; plus strand). Cytogenetic location: 2q31.2.
Variant type: single nucleotide variant.
Coding change: c.64767C>G on transcript NM_001267550.2 (MANE Select); coding-DNA position 64767, C replaced by G.
Protein change: p.Gly21589=; no amino-acid change (glycine 21589 retained).
Molecular consequence: synonymous variant. On other transcripts: non-coding transcript variant (1).
Genome position (GRCh38, 1-based): chr2:178,584,874, G>C on the plus strand (C>G on the coding strand, the complement: TTN is on the minus strand). VCF-style: chr2-178584874-G-C. GRCh37 (hg19) VCF-style: chr2-179449601-G-C.
Other names: c.59844C>G, p.Gly19948= (NM_001256850.1); c.37572C>G, p.Gly12524= (NM_003319.4); c.57063C>G, p.Gly19021= (NM_133378.4); c.37947C>G, p.Gly12649= (NM_133432.3); c.38148C>G, p.Gly12716= (NM_133437.4).
Identifiers: ClinVar variation 413161 (VCV000413161.13), dbSNP rs1060503955, ClinGen allele CA16610359.

ClinVar aggregate classification (germline): Likely benign. Review status: criteria provided, multiple submitters, no conflicts (2 of 4 stars). 3 submissions from 3 submitters: Likely benign (3). Last evaluated 2026-09-21.

Conditions:
Cardiovascular phenotype. Identifiers: MedGen CN230736.
Dilated cardiomyopathy 1G (CMD1G). Identifiers: Orphanet 154, MedGen C1858763, MONDO:0011400, OMIM 604145.
Autosomal recessive limb-girdle muscular dystrophy type 2J (LGMDR10). Also called: Limb-girdle muscular dystrophy, type 2J; MUSCULAR DYSTROPHY, LIMB-GIRDLE, AUTOSOMAL RECESSIVE 10. Identifiers: Orphanet 140922, MedGen C1837342, MONDO:0012127, OMIM 608807.

Allele frequency attached by ClinVar (database versions not stated): TOPMed 0.00001; gnomAD exomes below 0.00001; gnomAD 0.00001.
gnomAD v4.1: 4 of 1,613,242 alleles (0.00025%); highest among the groups gnomAD compares: Non-Finnish European, 0.00034%; no homozygotes.

Submissions (3):

Molecular Diagnostic Laboratory for Inherited Cardiovascular Disease, Montreal Heart Institute
Classification: Likely benign. Last evaluated: 2026-09-21. Review status: criteria provided, single submitter. Criteria: ACMG Guidelines, 2015. Collection method: clinical testing. Allele origin: germline. Affected: no.
Comment: BP7

Labcorp Genetics (formerly Invitae), Labcorp
Classification: Likely benign for Dilated cardiomyopathy 1G; Autosomal recessive limb-girdle muscular dystrophy type 2J. Last evaluated: 2025-10-31. Review status: criteria provided, single submitter. Criteria: Invitae Variant Classification Sherloc (09022015). Collection method: clinical testing. Allele origin: germline.

Ambry Genetics
Classification: Likely benign for Cardiovascular phenotype. Last evaluated: 2023-02-05. Review status: criteria provided, single submitter. Criteria: Ambry Variant Classification Scheme 2023. Collection method: clinical testing. Allele origin: germline.